The following is an entry in ClinVar:

NM_018136.5(ASPM):c.2420-139A>G

Gene: ASPM (assembly factor for spindle microtubules; minus strand). Cytogenetic location: 1q31.3.
Variant type: single nucleotide variant.
Coding change: c.2420-139A>G on transcript NM_018136.5 (MANE Select); 139 bases into the intron before coding-DNA position 2420, A replaced by G.
Molecular consequence: intron variant.
Genome position (GRCh38, 1-based): chr1:197,132,491, T>C on the plus strand (A>G on the coding strand, the complement: ASPM is on the minus strand). VCF-style: chr1-197132491-T-C. GRCh37 (hg19) VCF-style: chr1-197101621-T-C.
Other names: c.2420-139A>G (NM_001206846.2).
Identifiers: ClinVar variation 678052 (VCV000678052.2), dbSNP rs3737111, ClinGen allele CA35855434.

ClinVar aggregate classification (germline): Benign. Review status: criteria provided, multiple submitters, no conflicts (2 of 4 stars). 2 submissions from 2 submitters: Benign (2). Last evaluated 2018-06-19.

Allele frequency attached by ClinVar (database versions not stated): gnomAD 0.44428 and 0.45638; TOPMed 0.45574; gnomAD exomes 0.51997; 1000 Genomes Project 30x 0.52951; 1000 Genomes Project 0.54153.
gnomAD v4.1: 354,222 of 700,080 alleles (51%); highest among the groups gnomAD compares: East Asian, 83%; 94,921 homozygotes.

Submissions (2):

GeneDx
Classification: Benign. Last evaluated: 2018-06-19. Review status: criteria provided, single submitter. Criteria: GeneDx Variant Classification (06012015). Collection method: clinical testing. Allele origin: germline. Affected: yes.
Comment: This variant is considered likely benign or benign based on one or more of the following criteria: it is a conservative change, it occurs at a poorly conserved position in the protein, it is predicted to be benign by multiple in silico algorithms, and/or has population frequency not consistent with disease.

Breakthrough Genomics
Classification: Benign. Review status: criteria provided, single submitter. Criteria: ACMG Guidelines, 2015. Collection method: not provided. Allele origin: germline. Inheritance: Autosomal recessive inheritance. Affected: yes.